The following is an entry in ClinVar:

ClinVar aggregate classification (germline): Pathogenic (1 of 4 stars; one submission).

Conditions:
Familial thoracic aortic aneurysm and aortic dissection (TAAD). Also called: Thoracic aortic aneurysms and dissections. Identifiers: Orphanet 91387, MedGen C4707243, MONDO:0019625.

Submission:

Ambry Genetics
Classification: Pathogenic for Familial thoracic aortic aneurysm and aortic dissection. Last evaluated: 2025-12-02. Review status: criteria provided, single submitter. Criteria: Ambry Variant Classification Scheme 2023. Collection method: clinical testing. Allele origin: germline.
Comment: The c.1042G>A (p.G348R) alteration is located in exon 6 (coding exon 6) of the TGFB2 gene. This alteration results from a G to A substitution at nucleotide position 1042, causing the glycine (G) at amino acid position 348 to be replaced by an arginine (R). This variant was not reported in population-based cohorts in the Genome Aggregation Database (gnomAD). This amino acid position is highly conserved in available vertebrate species. Based on internal structural analysis, this variant is anticipated to result in a significant decrease in structural stability (Ambry internal data). This alteration is predicted to be deleterious by in silico analysis. Based on the available evidence, this alteration is classified as pathogenic.

NM_003238.6(TGFB2):c.1042G>A (p.Gly348Arg)

Gene: TGFB2 (transforming growth factor beta 2; plus strand). Cytogenetic location: 1q41.
Variant type: single nucleotide variant.
Coding change: c.1042G>A on transcript NM_003238.6 (MANE Select); coding-DNA position 1042, G replaced by A.
Protein change: p.Gly348Arg; replaces glycine 348 with arginine.
Molecular consequence: missense variant. On other transcripts: non-coding transcript variant (2).
Genome position (GRCh38, 1-based): chr1:218,437,452, G>A. VCF-style: chr1-218437452-G-A. GRCh37 (hg19) VCF-style: chr1-218610794-G-A.
Other names: c.1126G>A, p.Gly376Arg (NM_001135599.4); short protein forms G376R, G348R.
Identifiers: ClinVar variation 4635575 (VCV004635575.1).